The following is an entry in ClinVar:

NM_003000.3(SDHB):c.724C>A (p.Arg242Ser)

Gene: SDHB (succinate dehydrogenase complex iron sulfur subunit B; minus strand). Cytogenetic location: 1p36.13.
Variant type: single nucleotide variant.
Coding change: c.724C>A on transcript NM_003000.3 (MANE Select); coding-DNA position 724, C replaced by A.
Protein change: p.Arg242Ser; replaces arginine 242 with serine.
Molecular consequence: missense variant.
Genome position (GRCh38, 1-based): chr1:17,022,649, G>T on the plus strand (C>A on the coding strand, the complement: SDHB is on the minus strand). VCF-style: chr1-17022649-G-T. GRCh37 (hg19) VCF-style: chr1-17349144-G-T.
Other names: short protein forms R242S.
Identifiers: ClinVar variation 239443 (VCV000239443.21), dbSNP rs786203251, ClinGen allele CA10581740.
Genomic context (GRCh38, chr1:17,022,649, plus strand): 5'-GGTCACCAGCCCCACGTACCTTAGGACAGGTCCTTGTGCAGTTCATGATGGTGTGGCAGC[G>T]GTATAGAGAGAATGGGTCCTGCAGCTTGGCCAGGCGCTCCTCTGTGAAGTCATCTCTGGA-3'
Protein context (NP_002991.2, residues 232-252): AKLQDPFSLY[Arg242Ser]CHTIMNCTRT

ClinVar aggregate classification (germline): Pathogenic/Likely pathogenic. Review status: criteria provided, multiple submitters, no conflicts (2 of 4 stars). 9 submissions from 9 submitters: Pathogenic (6); Likely pathogenic (2). 1 of the submissions does not count toward it. Last evaluated 2026-02-27.

Conditions:
SDHB-related disorder. Also called: SDHB-related condition; SDHB-related disorders. Identifiers: MedGen CN239418.
Pheochromocytoma/paraganglioma syndrome 4. Also called: PARAGANGLIOMA, FAMILIAL MALIGNANT; PARAGANGLIOMAS, HEREDITARY EXTRAADRENAL; PHEOCHROMOCYTOMA, FAMILIAL EXTRAADRENAL; Paragangliomas 4; SDHB-Related Hereditary Paraganglioma-Pheochromocytoma Syndrome (Paragangliomas 4); SDHB-Related Hereditary Paraganglioma-Pheochromocytoma Syndrome. Identifiers: Orphanet 29072, MedGen C1861848, MONDO:0007273, OMIM 115310.
Gastrointestinal stromal tumor. Also called: Gastrointestinal stromal tumor, somatic; Gastrointestinal stroma tumor. Identifiers: Orphanet 44890, MedGen C0238198, MeSH D046152, MONDO:0011719, OMIM 606764, HP:0100723.
Pheochromocytoma. Also called: MAX-Related Hereditary Paraganglioma-Pheochromocytoma Syndrome. Identifiers: Orphanet 29072, MedGen C0031511, MONDO:0008233, OMIM 171300, HP:0002666.
Hereditary cancer-predisposing syndrome. Also called: Neoplastic Syndromes, Hereditary; Hereditary neoplastic syndrome; Hereditary Cancer Syndrome; Tumor predisposition. Identifiers: Orphanet 140162, MedGen C0027672, MeSH D009386, MONDO:0015356.
Hereditary pheochromocytoma and paraganglioma. Also called: Hereditary Paraganglioma-Pheochromocytoma Syndromes; Hereditary pheochromocytoma-paraganglioma; Hereditary paragangliomas and pheochromocytomas. Identifiers: Orphanet 29072, MedGen C4274332, MONDO:0017366.

Allele frequency attached by ClinVar (database versions not stated): TOPMed 0.00001.
gnomAD v4.1: 1 of 1,614,012 alleles (0.000062%); highest among the groups gnomAD compares: Non-Finnish European, 0.000085%; no homozygotes.

Submissions 1 to 6 of 9:

Myriad Genetics, Inc.
Classification: Likely pathogenic for Pheochromocytoma/paraganglioma syndrome 4. Last evaluated: 2026-02-27. Review status: criteria provided, single submitter. Criteria: Myriad Autosomal Dominant, Autosomal Recessive and X-Linked Classification Criteria (2023). Collection method: clinical testing. Allele origin: unknown.
Comment: This variant is considered likely pathogenic. This variant has been reported in multiple individuals with clinical features of gene-specific disease [PMID: 34377882, 31492822, 35870552]. Functional studies indicate this variant impacts protein function [PMID: 41252211]. This variant is expected to disrupt protein structure [Myriad internal data].

Labcorp Genetics (formerly Invitae), Labcorp
Classification: Pathogenic for Gastrointestinal stromal tumor; Pheochromocytoma/paraganglioma syndrome 4; Pheochromocytoma. Last evaluated: 2025-11-11. Review status: criteria provided, single submitter. Criteria: Invitae Variant Classification Sherloc (09022015). Collection method: clinical testing. Allele origin: germline.
Comment: This sequence change replaces arginine, which is basic and polar, with serine, which is neutral and polar, at codon 242 of the SDHB protein (p.Arg242Ser). This variant is not present in population databases (gnomAD no frequency). This missense change has been observed in individuals with paraganglioma (PMID: 19351833; internal data). ClinVar contains an entry for this variant (Variation ID: 239443). Invitae Evidence Modeling of protein sequence and biophysical properties (such as structural, functional, and spatial information, amino acid conservation, physicochemical variation, residue mobility, and thermodynamic stability) indicates that this missense variant is not expected to disrupt SDHB protein function with a negative predictive value of 80%. Experimental studies have shown that this missense change affects SDHB function (PMID: 23175444). This variant disrupts the p.Arg242 amino acid residue in SDHB. Other variant(s) that disrupt this residue have been determined to be pathogenic (PMID: 19351833, 21173220, 22517554). This suggests that this residue is clinically significant, and that variants that disrupt this residue are likely to be disease-causing. For these reasons, this variant has been classified as Pathogenic.

Quest Diagnostics Nichols Institute San Juan Capistrano
Classification: Likely pathogenic. Last evaluated: 2025-03-13. Review status: criteria provided, single submitter. Criteria: Quest Diagnostics criteria. Collection method: clinical testing. Allele origin: unknown.
Comment: The SDHB c.724C>A (p.Arg242Ser) variant has been reported in the published literature in several individuals affected with paraganglioma-pheochromocytoma (PGL-PCC) syndrome (PMID: 19351833 (2009), 31492822 (2020), 34377882 (2021), 34906457 (2022), 35870552 (2022), 37529773 (2023)). One functional study in yeast demonstrated that this variant was severely defective (PMID: 23175444 (2013)). There is also a related deleterious variant, c.725G>A (p.Arg242His), affecting this same position in the SDHB protein (PMID: 21173220 (2011)). The c.724C>A variant has not been reported in large, multi-ethnic general populations (Genome Aggregation Database). Analysis of this variant using bioinformatics tools for the prediction of the effect of amino acid changes on protein structure and function yielded predictions that this variant is damaging. Additional analysis using software algorithms for the prediction of the effect of nucleotide changes on SDHB mRNA splicing yielded predictions that this variant may result in the gain of a cryptic splice site without affecting the natural splice sites. Based on the available information, this variant is classified as likely pathogenic.

Color Diagnostics, LLC DBA Color Health
Classification: Pathogenic for Hereditary pheochromocytoma and paraganglioma. Last evaluated: 2024-11-17. Review status: criteria provided, single submitter. Criteria: ACMG Guidelines, 2015. Collection method: clinical testing. Allele origin: germline.
Comment: This missense variant replaces arginine with serine at codon 242 of the SDHB protein. Computational prediction suggests that this variant may have deleterious impact on protein structure and function. Functional studies in yeast have shown that this variant signifiantly affected SDH activity and mitochondrial respiration, increasing of mtDNA mutability and sensitivity to oxidative stress. The variant disrupts a functionally important LYR motif. (PMID: 23175444, 26719882). This variant has been reported in individuals affected with paragangliomas and/or pheochromocytomas (PMID: 19351833, 34377882, 34906457, 35870552). Different missense variants at this position, p.Arg242Cys and p.Arg242His, are considered disease-causing (ClinVar Variation ID: VCV000012781, VCV000186827). This variant has not been identified in the general population by the Genome Aggregation Database (gnomAD). Based on the available evidence, this variant is classified as Pathogenic.

All of Us Research Program, National Institutes of Health
Classification: Pathogenic for Hereditary pheochromocytoma and paraganglioma. Last evaluated: 2024-09-28. Review status: criteria provided, single submitter. Criteria: ACMG Guidelines, 2015. Collection method: clinical testing. Allele origin: germline. Inheritance: Autosomal dominant inheritance. Observed: 4 variant alleles, 4 heterozygotes.
Comment: This missense variant replaces arginine with serine at codon 242 of the SDHB protein. Computational prediction suggests that this variant may have deleterious impact on protein structure and function (internally defined REVEL score threshold >= 0.7, PMID: 27666373). Functional studies in yeast have shown that this variant signifiantly affected SDH activity and mitochondrial respiration, increasing of mtDNA mutability and sensitivity to oxidative stress. The variant disrupts a functionally important LYR motif. (PMID: 23175444, 26719882). This variant has been reported in individuals affected with paragangliomas and/or pheochromocytomas (PMID: 19351833, 34377882, 34906457, 35870552). Other variants at this position are considered disease causing (ClinVar Variation ID: VCV000012781, VCV000186827). This variant has not been identified in the general population by the Genome Aggregation Database (gnomAD). Based on the available evidence, this variant is classified as Pathogenic.

This study involves interpretation of variants in research participants for the purpose of population health screening. Participant phenotype was not available at the time of variant classification. Additional details can be found in publication PMID: 35346344, PMCID: PMC8962531

Ambry Genetics
Classification: Pathogenic for Hereditary cancer-predisposing syndrome. Last evaluated: 2024-03-22. Review status: criteria provided, single submitter. Criteria: Ambry Variant Classification Scheme 2023. Collection method: clinical testing. Allele origin: germline.
Comment: The p.R242S pathogenic mutation (also known as c.724C>A), located in coding exon 7 of the SDHB gene, results from a C to A substitution at nucleotide position 724. The arginine at codon 242 is replaced by serine, an amino acid with dissimilar properties. This alteration was reported in 2/578 individuals with head and neck paragangliomas (Neumann HP et al. Cancer Res. 2009 Apr;69(8):3650-6). In addition, a different disease causing mutation, p.R242H, has been described at this position (Kim E et al. Endocr. Relat. Cancer. 2015 Jun; 22(3):387-97). Functional studies using yeast models determined that the yeast-equivalent alteration of p.R242S, yR235S, results in an OXPHOS phenotype similar to the null strain; with no detectable SDH activity, 50% reduction in respiration, and increased genomic instability (Panizza E et al. Hum. Mol. Genet. 2013 Feb;22(4):804-15). This variant was not reported in population-based cohorts in the Genome Aggregation Database (gnomAD). This amino acid position is highly conserved in available vertebrate species. In addition, this alteration is predicted to be deleterious by in silico analysis. Based on the available evidence, this alteration is classified as a pathogenic mutation.